The following is an entry in ClinVar:

NM_001042517.2(DIAPH3):c.1489A>G (p.Ile497Val)

Gene: DIAPH3 (diaphanous related formin 3; minus strand). Cytogenetic location: 13q21.2.
Variant type: single nucleotide variant.
Coding change: c.1489A>G on transcript NM_001042517.2 (MANE Select); coding-DNA position 1489, A replaced by G.
Protein change: p.Ile497Val; replaces isoleucine 497 with valine.
Molecular consequence: missense variant.
Genome position (GRCh38, 1-based): chr13:59,980,851, T>C on the plus strand (A>G on the coding strand, the complement: DIAPH3 is on the minus strand). VCF-style: chr13-59980851-T-C. GRCh37 (hg19) VCF-style: chr13-60554985-T-C.
Other names: c.1456A>G, p.Ile486Val (NM_001258366.2); c.1351A>G, p.Ile451Val (NM_001258367.2); c.1279A>G, p.Ile427Val (NM_001258368.2); c.1489A>G, p.Ile497Val (NM_001258369.2); c.700A>G, p.Ile234Val (NM_001258370.2, NM_030932.4); short protein forms I486V, I497V, I427V, I234V, I451V.
Identifiers: ClinVar variation 4766763 (VCV004766763.1).

ClinVar aggregate classification (germline): Uncertain significance (1 of 4 stars; one submission).

gnomAD v4.1: 2 of 1,608,956 alleles (0.00012%); highest among the groups gnomAD compares: Admixed American, 0.0017%; no homozygotes.

Submission:

Labcorp Genetics (formerly Invitae), Labcorp
Classification: Uncertain significance. Last evaluated: 2025-06-22. Review status: criteria provided, single submitter. Criteria: Invitae Variant Classification Sherloc (09022015). Collection method: clinical testing. Allele origin: germline.
Comment: This sequence change replaces isoleucine, which is neutral and non-polar, with valine, which is neutral and non-polar, at codon 497 of the DIAPH3 protein (p.Ile497Val). This variant is present in population databases (rs748104930, gnomAD 0.003%). This variant has not been reported in the literature in individuals affected with DIAPH3-related conditions. An algorithm developed to predict the effect of missense changes on protein structure and function outputs the following: PolyPhen-2: "Benign". The valine amino acid residue is found in multiple mammalian species, which suggests that this missense change does not adversely affect protein function. In summary, the available evidence is currently insufficient to determine the role of this variant in disease. Therefore, it has been classified as a Variant of Uncertain Significance.